The following is an entry in ClinVar:

NM_032043.3(BRIP1):c.14G>A (p.Trp5Ter)

Gene: BRIP1 (BRCA1 interacting DNA helicase 1; minus strand). Cytogenetic location: 17q23.2.
Variant type: single nucleotide variant.
Coding change: c.14G>A on transcript NM_032043.3 (MANE Select); coding-DNA position 14, G replaced by A.
Protein change: p.Trp5Ter; replaces tryptophan 5 with a stop codon.
Molecular consequence: nonsense.
Genome position (GRCh38, 1-based): chr17:61,861,526, C>T on the plus strand (G>A on the coding strand, the complement: BRIP1 is on the minus strand). VCF-style: chr17-61861526-C-T. GRCh37 (hg19) VCF-style: chr17-59938887-C-T.
Other names: short protein forms W5*.
Identifiers: ClinVar variation 491411 (VCV000491411.8), dbSNP rs1555618738, ClinGen allele CA400486072.
Genomic context (GRCh38, chr17:61,861,526, plus strand): 5'-TGTGACGGGTAAGCTTTATAAGGAAAGTAAATCTTCACCCCACCAATTGTATATTCAGAC[C>T]ACATTGAAGACATAGTGCTTTCCTGTTTATTTCAGATTCCTAACTACAACAGAAATGAAA-3'

ClinVar aggregate classification (germline): Pathogenic/Likely pathogenic. Review status: criteria provided, multiple submitters, no conflicts (2 of 4 stars). 3 submissions from 3 submitters: Pathogenic (1); Likely pathogenic (2). Last evaluated 2026-06-05.

Conditions:
Hereditary cancer-predisposing syndrome. Also called: Tumor predisposition; Hereditary neoplastic syndrome; Neoplastic Syndromes, Hereditary; Hereditary Cancer Syndrome. Identifiers: Orphanet 140162, MedGen C0027672, MeSH D009386, MONDO:0015356.
Familial cancer of breast. Also called: hereditary breast carcinoma; Hereditary breast cancer; BREAST CANCER, FAMILIAL. Identifiers: Orphanet 227535, MedGen C0346153, MONDO:0016419, OMIM 114480. Disease mechanism: loss of function.
Fanconi anemia complementation group J. Also called: BRIP1-Related Fanconi Anemia. Identifiers: Orphanet 84, MedGen C1836860, MONDO:0012187, OMIM 609054.

Submissions (3):

Ambry Genetics
Classification: Likely pathogenic for Hereditary cancer-predisposing syndrome. Last evaluated: 2026-06-05. Review status: criteria provided, single submitter. Criteria: Ambry Variant Classification Scheme 2023. Collection method: clinical testing. Allele origin: germline.
Comment: The p.W5* variant (also known as c.14G>A), located in coding exon 1 of the BRIP1 gene, results from a G to A substitution at nucleotide position 14. This changes the amino acid from a tryptophan to a stop codon within coding exon 1. The predicted stop codon occurs in the 5&rsquo; end of thegene. Premature termination codons in the 5&rsquo; end of a gene have been reported to escape nonsense-mediated mRNAdecay and/or lead to re-initiation (Rivas et al. Science. 2015 May 8;348(6235):666-9; Lindeboom et al. Nat Genet. 2016 Oct;48(10):1112-8; Rhee et al. Sci Rep. 2017 May 10;7(1):1653). Direct evidence for this variant is unavailable, however premature termination codons are typically deleterious in nature. This variant is considered to be rare based on population cohorts in the Genome Aggregation Database (gnomAD). Based on the majority of available evidence to date, this variant is likely to be pathogenic.

Labcorp Genetics (formerly Invitae), Labcorp
Classification: Pathogenic for Familial cancer of breast; Fanconi anemia complementation group J. Last evaluated: 2023-02-25. Review status: criteria provided, single submitter. Criteria: Invitae Variant Classification Sherloc (09022015). Collection method: clinical testing. Allele origin: germline.
Comment: For these reasons, this variant has been classified as Pathogenic. ClinVar contains an entry for this variant (Variation ID: 491411). This variant has not been reported in the literature in individuals affected with BRIP1-related conditions. This variant is not present in population databases (gnomAD no frequency). This sequence change creates a premature translational stop signal (p.Trp5*) in the BRIP1 gene. It is expected to result in an absent or disrupted protein product. Loss-of-function variants in BRIP1 are known to be pathogenic (PMID: 16116423, 17033622, 21964575).

Color Diagnostics, LLC DBA Color Health
Classification: Likely pathogenic for Hereditary cancer-predisposing syndrome. Last evaluated: 2019-05-09. Review status: criteria provided, single submitter. Criteria: ACMG Guidelines, 2015. Collection method: clinical testing. Allele origin: germline.

Literature cited by the submitters: PubMed 16116423 (cited by Labcorp Genetics (formerly Invitae), Labcorp); PubMed 17033622 (cited by Labcorp Genetics (formerly Invitae), Labcorp); PubMed 21964575 (cited by Labcorp Genetics (formerly Invitae), Labcorp).